The following is an entry in ClinVar:

ClinVar aggregate classification (germline): Uncertain significance (1 of 4 stars; one submission).

Allele frequency attached by ClinVar (database versions not stated): gnomAD 0.00001; gnomAD exomes 0.00001; TOPMed 0.00001.
gnomAD v4.1: 12 of 1,528,694 alleles (0.00078%); highest among the groups gnomAD compares: Non-Finnish European, 0.00097%; no homozygotes.

Submission:

Labcorp Genetics (formerly Invitae), Labcorp
Classification: Uncertain significance. Last evaluated: 2023-02-24. Review status: criteria provided, single submitter. Criteria: Invitae Variant Classification Sherloc (09022015). Collection method: clinical testing. Allele origin: germline.
Comment: In summary, the available evidence is currently insufficient to determine the role of this variant in disease. Therefore, it has been classified as a Variant of Uncertain Significance. An algorithm developed to predict the effect of missense changes on protein structure and function (PolyPhen-2) suggests that this variant is likely to be tolerated. This variant has not been reported in the literature in individuals affected with CCDC141-related conditions. This variant is present in population databases (rs796919163, gnomAD 0.008%). This sequence change replaces lysine, which is basic and polar, with isoleucine, which is neutral and non-polar, at codon 164 of the CCDC141 protein (p.Lys164Ile).

NM_173648.4(CCDC141):c.491A>T (p.Lys164Ile)

Gene: CCDC141 (coiled-coil domain containing 141; minus strand). Cytogenetic location: 2q31.2.
Variant type: single nucleotide variant.
Coding change: c.491A>T on transcript NM_173648.4 (MANE Select); coding-DNA position 491, A replaced by T.
Protein change: p.Lys164Ile; replaces lysine 164 with isoleucine.
Molecular consequence: missense variant.
Genome position (GRCh38, 1-based): chr2:178,975,092, T>A on the plus strand (A>T on the coding strand, the complement: CCDC141 is on the minus strand). VCF-style: chr2-178975092-T-A. GRCh37 (hg19) VCF-style: chr2-179839819-T-A.
Other names: c.491A>T, p.Lys164Ile (NM_001316745.2); short protein forms K164I.
Identifiers: ClinVar variation 2971817 (VCV002971817.3), dbSNP rs796919163, ClinGen allele CA61483103.
Genomic context (GRCh38, chr2:178,975,092, plus strand): 5'-TGTGAGAAATAAACATATTTCTTGCCTTTAGTATGATGTTCATGAAGCTGAAGAAGTGAT[T>A]TTAAGGACTCAGCACTCTCAAACTCATGAGTATTCTGGAGGAAATCTTCAGCTTGGTCTA-3'
Protein context (NP_775919.3, residues 154-174): THEFESAESL[Lys164Ile]SLLQLHEHHT